The following is an entry in ClinVar:

ClinVar aggregate classification (germline): Pathogenic (1 of 4 stars; one submission).

Conditions:
Familial hemophagocytic lymphohistiocytosis 3 (FHL3). Also called: UNC13D-Related Familial Hemophagocytic Lymphohistiocytosis (UNC13D-fHLH). Identifiers: Orphanet 540, MedGen C1837174, MONDO:0012146, OMIM 608898.

Submission:

Labcorp Genetics (formerly Invitae), Labcorp
Classification: Pathogenic for Familial hemophagocytic lymphohistiocytosis 3. Last evaluated: 2023-11-06. Review status: criteria provided, single submitter. Criteria: Invitae Variant Classification Sherloc (09022015). Collection method: clinical testing. Allele origin: germline.
Comment: This sequence change creates a premature translational stop signal (p.Glu57Glyfs*19) in the UNC13D gene. It is expected to result in an absent or disrupted protein product. Loss-of-function variants in UNC13D are known to be pathogenic (PMID: 14622600). This variant is not present in population databases (gnomAD no frequency). This variant has not been reported in the literature in individuals affected with UNC13D-related conditions. For these reasons, this variant has been classified as Pathogenic.

Literature cited by the submitters: PubMed 14622600.

NM_199242.3(UNC13D):c.170del (p.Glu57fs)

Gene: UNC13D (unc-13 homolog D; minus strand). Cytogenetic location: 17q25.1.
Variant type: Deletion.
Coding change: c.170del on transcript NM_199242.3 (MANE Select); coding-DNA position 170, one base deleted (A; older notation c.170delA).
Protein change: p.Glu57fs; shifts the reading frame from glutamic acid 57.
Molecular consequence: frameshift variant.
Genome position (GRCh38, 1-based): chr17:75,843,250, T deleted on the plus strand (A on the coding strand, the reverse complement: UNC13D is on the minus strand). VCF-style (leftmost placement, unchanged base first): chr17-75843249-CT-C. GRCh37 (hg19) VCF-style: chr17-73839330-CT-C.
Other names: short protein forms E57fs.
Identifiers: ClinVar variation 2865576 (VCV002865576.3), dbSNP rs2545988136, ClinGen allele CA2739268427.